The following is an entry in ClinVar:

NM_006755.2(TALDO1):c.390G>A (p.Lys130=)

Gene: TALDO1 (transaldolase 1; plus strand). Cytogenetic location: 11p15.5.
Variant type: single nucleotide variant.
Coding change: c.390G>A on transcript NM_006755.2 (MANE Select); coding-DNA position 390, G replaced by A.
Protein change: p.Lys130=; no amino-acid change (lysine 130 retained).
Molecular consequence: synonymous variant.
Genome position (GRCh38, 1-based): chr11:760,182, G>A. VCF-style: chr11-760182-G-A. GRCh37 (hg19) VCF-style: chr11-760182-G-A.
Other names: c.390G>A (NM_006755.1).
Identifiers: ClinVar variation 3620187 (VCV003620187.3).
Genomic context (GRCh38, chr11:760,182, plus strand): 5'-GCTCTCCTTTGATAAAGATGCGATGGTGGCCAGAGCCAGGCGGCTCATCGAGCTCTACAA[G>A]GAAGCTGGGATCAGCAAGGACCGAATTCTTATAAAGCTGTCATCAACCTGGGAAGGAATT-3'
Protein context (NP_006746.1, residues 120-140): ARARRLIELY[Lys130=]EAGISKDRIL

ClinVar aggregate classification (germline): Likely benign. Review status: criteria provided, multiple submitters, no conflicts (2 of 4 stars). 2 submissions from 2 submitters: Likely benign (2). Last evaluated 2024-10-29.

Conditions:
TALDO1-related disorder. Also called: TALDO1-related condition.

gnomAD v4.1: 14 of 1,614,088 alleles (0.00087%); highest among the groups gnomAD compares: Non-Finnish European, 0.0012%; no homozygotes.

Submissions (2):

PreventionGenetics, part of Exact Sciences
Classification: Likely benign for TALDO1-related condition. Last evaluated: 2024-10-29. Review status: criteria provided, single submitter. Criteria: ACMG Guidelines, 2015. Collection method: clinical testing. Allele origin: germline.
Comment: This variant is classified as likely benign based on ACMG/AMP sequence variant interpretation guidelines (Richards et al. 2015 PMID: 25741868, with internal and published modifications).

Labcorp Genetics (formerly Invitae), Labcorp
Classification: Likely benign. Last evaluated: 2024-10-10. Review status: criteria provided, single submitter. Criteria: Invitae Variant Classification Sherloc (09022015). Collection method: clinical testing. Allele origin: germline.